The following is an entry in ClinVar:

NM_001005242.3(PKP2):c.1060G>C (p.Glu354Gln)

Gene: PKP2 (plakophilin 2; minus strand). Cytogenetic location: 12p11.21.
Variant type: single nucleotide variant.
Coding change: c.1060G>C on transcript NM_001005242.3 (MANE Select); coding-DNA position 1060, G replaced by C.
Protein change: p.Glu354Gln; replaces glutamic acid 354 with glutamine.
Molecular consequence: missense variant.
Genome position (GRCh38, 1-based): chr12:32,869,037, C>G on the plus strand (G>C on the coding strand, the complement: PKP2 is on the minus strand). VCF-style: chr12-32869037-C-G. GRCh37 (hg19) VCF-style: chr12-33021971-C-G.
Other names: c.1060G>C, p.Glu354Gln (NM_001407155.1, NM_001407156.1, NM_001407157.1 and 2 more transcripts); c.733G>C, p.Glu245Gln (NM_001407158.1, NM_001407159.1, NM_001407160.1 and 1 more transcripts); short protein forms E245Q, E354Q.
Identifiers: ClinVar variation 4995025 (VCV004995025.1).
Genomic context (GRCh38, chr12:32,869,037, plus strand): 5'-CTGCAGCAGAAATCCTGGATGGCAGCATGTGGTCTGCCTCGAGCATACTCACTGCTCGCT[C>G]CAGAGTCATCTCCATGTCTGCATTCCTAGACAAACAGGCACAGATTCAGCCAGATTCCAA-3'
Protein context (NP_001005242.2, residues 344-364): LGNADMEMTL[Glu354Gln]RAVSMLEADH

ClinVar aggregate classification (germline): Uncertain significance (1 of 4 stars; one submission).

Conditions:
PKP2-related disorder. Also called: PKP2-related condition.

Submission:

PreventionGenetics, part of Exact Sciences
Classification: Uncertain significance for PKP2-related condition. Last evaluated: 2026-04-22. Review status: criteria provided, single submitter. Criteria: ACMG Guidelines, 2015. Collection method: clinical testing. Allele origin: germline.
Comment: The PKP2 c.1060G>C variant is predicted to result in the amino acid substitution p.Glu354Gln. This variant has been reported in an individual with arrhythmogenic right ventricular cardiomyopathy; however, this individual also carried a PKP2 frameshift variant which could explain the clinical features (Brun et al. 2014. PubMed ID: 25157032). This variant has not been reported in a large population database (gnomAD), indicating this variant is rare. At this time, the clinical significance of this variant is uncertain due to the absence of conclusive functional and genetic evidence.